The following is an entry in ClinVar:

NM_006623.4(PHGDH):c.996G>A (p.Trp332Ter)

Gene: PHGDH (phosphoglycerate dehydrogenase; plus strand). Cytogenetic location: 1p12.
Variant type: single nucleotide variant.
Coding change: c.996G>A on transcript NM_006623.4 (MANE Select); coding-DNA position 996, G replaced by A.
Protein change: p.Trp332Ter; replaces tryptophan 332 with a stop codon.
Molecular consequence: nonsense.
Genome position (GRCh38, 1-based): chr1:119,740,436, G>A. VCF-style: chr1-119740436-G-A. GRCh37 (hg19) VCF-style: chr1-120283059-G-A.
Other names: short protein forms W332*.
Identifiers: ClinVar variation 1451879 (VCV001451879.6), dbSNP rs2101216259, ClinGen allele CA341852222.
Genomic context (GRCh38, chr1:119,740,436, plus strand): 5'-TCCTCTGCAGGTGAATGCCCAGGCCCTTACCAGTGCCTTCTCTCCACACACCAAGCCTTG[G>A]ATTGGTCTGGCAGAAGCTCTGGGGACACTGATGCGAGCCTGGGCTGGGTCCCCCAAAGGG-3'

ClinVar aggregate classification (germline): Pathogenic (1 of 4 stars; one submission).

Conditions:
PHGDH deficiency. Identifiers: Orphanet 79351, MedGen C1866174, MONDO:0011152, OMIM 601815.

Submission:

Labcorp Genetics (formerly Invitae), Labcorp
Classification: Pathogenic for PHGDH deficiency. Last evaluated: 2021-03-24. Review status: criteria provided, single submitter. Criteria: Invitae Variant Classification Sherloc (09022015). Collection method: clinical testing. Allele origin: germline.
Comment: For these reasons, this variant has been classified as Pathogenic. This variant has not been reported in the literature in individuals with PHGDH-related conditions. This variant is not present in population databases (ExAC no frequency). This sequence change creates a premature translational stop signal (p.Trp332*) in the PHGDH gene. It is expected to result in an absent or disrupted protein product. Loss-of-function variants in PHGDH are known to be pathogenic (PMID: 14645240, 24836451).

Literature cited by the submitters: PubMed 14645240; PubMed 24836451.